The following is an entry in ClinVar:

NM_001174147.2(LMX1B):c.*172C>A

Gene: LMX1B (LIM homeobox transcription factor 1 beta; plus strand). Cytogenetic location: 9q33.3.
Variant type: single nucleotide variant.
Coding change: c.*172C>A on transcript NM_001174147.2 (MANE Select); 172 bases downstream of the stop codon, C replaced by A.
Molecular consequence: 3 prime UTR variant.
Genome position (GRCh38, 1-based): chr9:126,696,623, C>A. VCF-style: chr9-126696623-C-A. GRCh37 (hg19) VCF-style: chr9-129458902-C-A.
Other names: c.*172C>A (NM_001174146.2, NM_002316.4).
Identifiers: ClinVar variation 364896 (VCV000364896.5), dbSNP rs574095852, ClinGen allele CA10632266.

ClinVar aggregate classification (germline): Benign (1 of 4 stars; one submission).

Conditions:
Nail-patella syndrome (NPS). Also called: FONG DISEASE; ONYCHOOSTEODYSPLASIA; TURNER-KIESER SYNDROME. Identifiers: Orphanet 2614, MedGen C0027341, MONDO:0008061, OMIM 161200.

Allele frequency attached by ClinVar (database versions not stated): TOPMed 0.00001; 1000 Genomes Project 0.00060; 1000 Genomes Project 30x 0.00062.
gnomAD v4.1: 157 of 676,140 alleles (0.023%); highest among the groups gnomAD compares: South Asian, 0.26%; 3 homozygotes.

Submission:

Illumina Laboratory Services, Illumina
Classification: Benign for Nail-patella syndrome. Last evaluated: 2018-01-13. Review status: criteria provided, single submitter. Criteria: ICSL Variant Classification Criteria 13 December 2019. Collection method: clinical testing. Allele origin: germline.
Comment: This variant was observed in the ICSL laboratory as part of a predisposition screen in an ostensibly healthy population. It had not been previously curated by ICSL or reported in the Human Gene Mutation Database (HGMD: prior to June 1st, 2018), and was therefore a candidate for classification through an automated scoring system. Utilizing variant allele frequency, disease prevalence and penetrance estimates, and inheritance mode, an automated score was calculated to assess if this variant is too frequent to cause the disease. Based on the score and internal cut-off values, a variant classified as benign is not then subjected to further curation. The score for this variant resulted in a classification of benign for this disease.